The following is an entry in ClinVar:

ClinVar aggregate classification (germline): Uncertain significance. Review status: criteria provided, multiple submitters, no conflicts (2 of 4 stars). 2 submissions from 2 submitters: Uncertain significance (2). Last evaluated 2026-01-17.

Conditions:
Marfan syndrome (MFS). Also called: MARFAN SYNDROME, TYPE I; Marfan syndrome type 1; Marfan's syndrome; Marfan syndrome, classic; FBN1-Related Marfan Syndrome. Identifiers: Orphanet 284963, Orphanet 558, MedGen C0024796, MONDO:0007947, OMIM 154700.
Familial thoracic aortic aneurysm and aortic dissection (TAAD). Also called: Thoracic aortic aneurysms and dissections. Identifiers: Orphanet 91387, MedGen C4707243, MONDO:0019625.

Allele frequency attached by ClinVar (database versions not stated): gnomAD exomes below 0.00001.
gnomAD v4.1: 4 of 1,613,816 alleles (0.00025%); highest among the groups gnomAD compares: Non-Finnish European, 0.00017%; no homozygotes.

Submissions (2):

Labcorp Genetics (formerly Invitae), Labcorp
Classification: Uncertain significance for Marfan syndrome; Familial thoracic aortic aneurysm and aortic dissection. Last evaluated: 2026-01-17. Review status: criteria provided, single submitter. Criteria: Invitae Variant Classification Sherloc (09022015). Collection method: clinical testing. Allele origin: germline.
Comment: This sequence change replaces arginine, which is basic and polar, with glutamine, which is neutral and polar, at codon 86 of the FBN1 protein (p.Arg86Gln). This variant is not present in population databases (gnomAD no frequency). This variant has not been reported in the literature in individuals affected with FBN1-related conditions. ClinVar contains an entry for this variant (Variation ID: 1450410). Invitae Evidence Modeling of protein sequence and biophysical properties (such as structural, functional, and spatial information, amino acid conservation, physicochemical variation, residue mobility, and thermodynamic stability) indicates that this missense variant is expected to disrupt FBN1 protein function with a positive predictive value of 95%. In summary, the available evidence is currently insufficient to determine the role of this variant in disease. Therefore, it has been classified as a Variant of Uncertain Significance.

All of Us Research Program, National Institutes of Health
Classification: Uncertain significance for Marfan syndrome. Last evaluated: 2024-02-05. Review status: criteria provided, single submitter. Criteria: ACMG Guidelines, 2015. Collection method: clinical testing. Allele origin: germline. Inheritance: Autosomal dominant inheritance. Observed: 1 variant allele, 1 heterozygote.
Comment: This missense variant replaces arginine with glutamine at codon 86 of the FBN1 protein. Computational prediction is inconclusive regarding the impact of this variant on protein structure and function (internally defined REVEL score threshold 0.5 < inconclusive < 0.7, PMID: 27666373). To our knowledge, functional studies have not been reported for this variant. This variant has not been reported in individuals affected with FBN1-related disorders in the literature. This variant has not been identified in the general population by the Genome Aggregation Database (gnomAD). The available evidence is insufficient to determine the role of this variant in disease conclusively. Therefore, this variant is classified as a Variant of Uncertain Significance.

This study involves interpretation of variants in research participants for the purpose of population health screening. Participant phenotype was not available at the time of variant classification. Additional details can be found in publication PMID: 35346344, PMCID: PMC8962531

NM_000138.5(FBN1):c.257G>A (p.Arg86Gln)

Gene: FBN1 (fibrillin 1; minus strand). Cytogenetic location: 15q21.1.
Variant type: single nucleotide variant.
Coding change: c.257G>A on transcript NM_000138.5 (MANE Select); coding-DNA position 257, G replaced by A.
Protein change: p.Arg86Gln; replaces arginine 86 with glutamine.
Molecular consequence: missense variant.
Genome position (GRCh38, 1-based): chr15:48,610,817, C>T on the plus strand (G>A on the coding strand, the complement: FBN1 is on the minus strand). VCF-style: chr15-48610817-C-T. GRCh37 (hg19) VCF-style: chr15-48903014-C-T.
Other names: short protein forms R86Q.
Identifiers: ClinVar variation 1450410 (VCV001450410.7), dbSNP rs2044650738, ClinGen allele CA392447159.
Genomic context (GRCh38, chr15:48,610,817, plus strand): 5'-TGACCAGATGGGCAAGTGCACATATTTGGCCTCGAACAAAATCCATCCCCACAGGAATGC[C>T]GGCAAATGGCTGTGAATAAACCAGAGGTCTGTTAGCACATGGATTTGGAACACGATTTGT-3'
Protein context (NP_000129.3, residues 76-96): GGNQCIVPIC[Arg86Gln]HSCGDGFCSR